The following is an entry in ClinVar:

NM_001367805.3(KIF23):c.1865G>A (p.Arg622His)

Gene: KIF23 (kinesin family member 23; plus strand). Cytogenetic location: 15q23.
Variant type: single nucleotide variant.
Coding change: c.1865G>A on transcript NM_001367805.3 (MANE Select); coding-DNA position 1865, G replaced by A.
Protein change: p.Arg622His; replaces arginine 622 with histidine.
Molecular consequence: missense variant. On other transcripts: non-coding transcript variant (2).
Genome position (GRCh38, 1-based): chr15:69,440,013, G>A. VCF-style: chr15-69440013-G-A. GRCh37 (hg19) VCF-style: chr15-69732352-G-A.
Other names: c.1823G>A, p.Arg608His (NM_138555.4, NM_001367804.2, NM_004856.7); c.1493G>A, p.Arg498His (NM_001281301.2); short protein forms R498H, R608H, R622H.
Identifiers: ClinVar variation 1947550 (VCV001947550.5), dbSNP rs371611454, ClinGen allele CA393009069.

ClinVar aggregate classification (germline): Uncertain significance (1 of 4 stars; one submission).

Allele frequency attached by ClinVar (database versions not stated): gnomAD exomes below 0.00001.
gnomAD v4.1: 2 of 1,613,890 alleles (0.00012%); highest among the groups gnomAD compares: Non-Finnish European, 0.00017%; no homozygotes.

Submission:

Labcorp Genetics (formerly Invitae), Labcorp
Classification: Uncertain significance. Last evaluated: 2024-10-16. Review status: criteria provided, single submitter. Criteria: Invitae Variant Classification Sherloc (09022015). Collection method: clinical testing. Allele origin: germline.
Comment: This sequence change replaces arginine, which is basic and polar, with histidine, which is basic and polar, at codon 608 of the KIF23 protein (p.Arg608His). This variant is not present in population databases (gnomAD no frequency). This variant has not been reported in the literature in individuals affected with KIF23-related conditions. ClinVar contains an entry for this variant (Variation ID: 1947550). Invitae Evidence Modeling of protein sequence and biophysical properties (such as structural, functional, and spatial information, amino acid conservation, physicochemical variation, residue mobility, and thermodynamic stability) indicates that this missense variant is not expected to disrupt KIF23 protein function with a negative predictive value of 80%. In summary, the available evidence is currently insufficient to determine the role of this variant in disease. Therefore, it has been classified as a Variant of Uncertain Significance.